The following is an entry in ClinVar:

NM_153006.3(NAGS):c.1535A>G (p.Tyr512Cys)

Gene: NAGS (N-acetylglutamate synthase; plus strand). Cytogenetic location: 17q21.31.
Variant type: single nucleotide variant.
Coding change: c.1535A>G on transcript NM_153006.3 (MANE Select); coding-DNA position 1535, A replaced by G.
Protein change: p.Tyr512Cys; replaces tyrosine 512 with cysteine.
Molecular consequence: missense variant.
Genome position (GRCh38, 1-based): chr17:44,008,531, A>G. VCF-style: chr17-44008531-A-G. GRCh37 (hg19) VCF-style: chr17-42085899-A-G.
Other names: short protein forms Y512C.
Identifiers: ClinVar variation 4537352 (VCV004537352.2).

ClinVar aggregate classification (germline): Uncertain significance (1 of 4 stars; one submission).

gnomAD v4.1: 30 of 1,614,120 alleles (0.0019%); highest among the groups gnomAD compares: South Asian, 0.029%; no homozygotes.

Submission:

Women's Health and Genetics/Laboratory Corporation of America, LabCorp
Classification: Uncertain significance. Last evaluated: 2026-06-08. Review status: criteria provided, single submitter. Criteria: LabCorp Variant Classification Summary - May 2015. Collection method: clinical testing. Allele origin: germline.
Comment: Variant summary: NAGS c.1535A>G (p.Tyr512Cys) results in a non-conservative amino acid change in the encoded protein sequence. Algorithms developed to predict the effect of missense changes on protein structure and function all suggest that this variant is likely to be disruptive. The variant allele was found at a frequency of 4.4e-05 in 251496 control chromosomes. This frequency is not significantly higher than estimated for disease-causing variants in NAGS, allowing no conclusion about variant significance. c.1535A>G has been observed in individual(s) affected with NAGS-related conditions (Sancho-Vaello_2016), without evidence for causality. These report(s) do not provide unequivocal conclusions about association of the variant with disease. One publication reports experimental evidence evaluating an impact on protein function, however, does not allow convincing conclusions about the variant effect. The following publications have been ascertained in the context of this evaluation (PMID: 27037498, 38740568). ClinVar contains an entry for this variant (Variation ID: 4537352). Based on the evidence outlined above, the variant was classified as uncertain significance.

Literature cited by the submitters: PubMed 29253671; PubMed 33309754; PubMed 27037498; PubMed 27570737; PubMed 38740568; PubMed 37847851.